The following is an entry in ClinVar:

ClinVar aggregate classification (germline): Uncertain significance (1 of 4 stars; one submission).

Conditions:
Cardiovascular phenotype. Identifiers: MedGen CN230736.

Submission:

Ambry Genetics
Classification: Uncertain significance for Cardiovascular phenotype. Last evaluated: 2022-04-19. Review status: criteria provided, single submitter. Criteria: Ambry Variant Classification Scheme 2023. Collection method: clinical testing. Allele origin: germline.
Comment: The p.L843V variant (also known as c.2527C>G), located in coding exon 13 of the PKP2 gene, results from a C to G substitution at nucleotide position 2527. The leucine at codon 843 is replaced by valine, an amino acid with highly similar properties. This amino acid position is conserved. In addition, this alteration is predicted to be tolerated by in silico analysis. Since supporting evidence is limited at this time, the clinical significance of this alteration remains unclear.

NM_001005242.3(PKP2):c.2395C>G (p.Leu799Val)

Gene: PKP2 (plakophilin 2; minus strand). Cytogenetic location: 12p11.21.
Variant type: single nucleotide variant.
Coding change: c.2395C>G on transcript NM_001005242.3 (MANE Select); coding-DNA position 2395, C replaced by G.
Protein change: p.Leu799Val; replaces leucine 799 with valine.
Molecular consequence: missense variant. On other transcripts: synonymous variant (2).
Genome position (GRCh38, 1-based): chr12:32,792,694, G>C on the plus strand (C>G on the coding strand, the complement: PKP2 is on the minus strand). VCF-style: chr12-32792694-G-C. GRCh37 (hg19) VCF-style: chr12-32945628-G-C.
Other names: c.2205C>G, p.Ser735= (NM_001407155.1); c.2230C>G, p.Leu744Val (NM_001407156.1); c.2068C>G, p.Leu690Val (NM_001407158.1, NM_001407159.1); c.1878C>G, p.Ser626= (NM_001407160.1); c.2527C>G, p.Leu843Val (NM_004572.4); short protein forms L690V, L744V, L843V, L799V.
Identifiers: ClinVar variation 1792604 (VCV001792604.3), dbSNP rs774258852, ClinGen allele CA384356932.